The following is an entry in ClinVar:

ClinVar aggregate classification (germline): Pathogenic (1 of 4 stars; one submission).

Conditions:
Alstrom syndrome (ALMS). Identifiers: Orphanet 64, MedGen C0268425, MONDO:0008763, OMIM 203800.

Submission:

Women's Health and Genetics/Laboratory Corporation of America, LabCorp
Classification: Pathogenic for Alstrom syndrome. Last evaluated: 2025-04-09. Review status: criteria provided, single submitter. Criteria: LabCorp Variant Classification Summary - May 2015. Collection method: clinical testing. Allele origin: germline.
Comment: Variant summary: ALMS1 c.10948_10949delCA (p.His3650X) results in a premature termination codon, predicted to cause a truncation of the encoded protein or absence of the protein due to nonsense mediated decay, which are commonly known mechanisms for disease. The variant allele was found at a frequency of 4e-06 in 249224 control chromosomes (gnomAD). To our knowledge, no occurrence of c.10948_10949delCA in individuals affected with Alstrom Syndrome and no experimental evidence demonstrating its impact on protein function have been reported. No submitters have cited clinical-significance assessments for this variant to ClinVar. Based on the evidence outlined above, the variant was classified as pathogenic.

NM_001378454.1(ALMS1):c.10951_10952del (p.Thr3650_His3651insTer)

Gene: ALMS1 (ALMS1 centrosome and basal body associated protein; plus strand). Cytogenetic location: 2p13.1.
Variant type: Microsatellite.
Coding change: c.10951_10952del on transcript NM_001378454.1 (MANE Select); coding-DNA positions 10951 to 10952, 2 bases deleted (CA; older notation c.10951_10952delCA).
Protein change: p.Thr3650_His3651insTer.
Molecular consequence: nonsense.
Genome position (GRCh38, 1-based): chr2:73,572,828-73,572,829, CA deleted; deleting any 2 consecutive bases within chr2:73,572,825-73,572,829 gives the same sequence; the c. name uses the placement nearest the transcript's 3' end. VCF-style (leftmost placement, unchanged base first): chr2-73572824-TAC-T. GRCh37 (hg19) VCF-style: chr2-73799951-TAC-T.
Other names: c.10954_10955del, p.Thr3651_His3652insTer (NM_015120.4); c.10954_10955delCA (NM_015120.4).
Identifiers: ClinVar variation 3896373 (VCV003896373.2).